The following is an entry in ClinVar:

NM_001267550.2(TTN):c.22249C>T (p.Leu7417Phe)

Gene: TTN (titin; minus strand). Cytogenetic location: 2q31.2.
Variant type: single nucleotide variant.
Coding change: c.22249C>T on transcript NM_001267550.2 (MANE Select); coding-DNA position 22249, C replaced by T.
Protein change: p.Leu7417Phe; replaces leucine 7417 with phenylalanine.
Molecular consequence: missense variant. On other transcripts: intron variant (3).
Genome position (GRCh38, 1-based): chr2:178,722,538, G>A on the plus strand (C>T on the coding strand, the complement: TTN is on the minus strand). VCF-style: chr2-178722538-G-A. GRCh37 (hg19) VCF-style: chr2-179587265-G-A.
Other names: c.21298C>T, p.Leu7100Phe (NM_001256850.1); c.18517C>T, p.Leu6173Phe (NM_133378.4); c.13282+15544C>T (NM_003319.4); c.13858+15544C>T (NM_133437.4); c.13657+15544C>T (NM_133432.3); short protein forms L6173F, L7100F, L7417F.
Identifiers: ClinVar variation 4983064 (VCV004983064.1).

ClinVar aggregate classification (germline): Uncertain significance (1 of 4 stars; one submission).

Conditions:
TTN-related disorder. Also called: TTN-related disorders; TTN-related condition; TTN-related disease.

gnomAD v4.1: 47 of 1,611,524 alleles (0.0029%); highest among the groups gnomAD compares: Non-Finnish European, 0.0039%; no homozygotes.

Submission:

PreventionGenetics, part of Exact Sciences
Classification: Uncertain significance for TTN-related condition. Last evaluated: 2025-10-29. Review status: criteria provided, single submitter. Criteria: ACMG Guidelines, 2015. Collection method: clinical testing. Allele origin: germline.
Comment: The TTN c.22249C>T variant is predicted to result in the amino acid substitution p.Leu7417Phe. To our knowledge, this variant has not been reported in the literature. This variant is reported in 0.0016% of alleles in individuals of European (Non-Finnish) descent in gnomAD. At this time, the clinical significance of this variant is uncertain due to the absence of conclusive functional and genetic evidence.